The following is an entry in ClinVar:

NM_152564.5(VPS13B):c.6648T>C (p.Gly2216=)

Gene: VPS13B (vacuolar protein sorting 13 homolog B; plus strand). Cytogenetic location: 8q22.2.
Variant type: single nucleotide variant.
Coding change: c.6648T>C on transcript NM_152564.5 (MANE Select); coding-DNA position 6648, T replaced by C.
Protein change: p.Gly2216=; no amino-acid change (glycine 2216 retained).
Molecular consequence: synonymous variant.
Genome position (GRCh38, 1-based): chr8:99,717,364, T>C. VCF-style: chr8-99717364-T-C. GRCh37 (hg19) VCF-style: chr8-100729592-T-C.
Other names: c.6723T>C, p.Gly2241= (NM_017890.5); c.6648T>C (NM_152564.4).
Identifiers: ClinVar variation 1114153 (VCV001114153.10), dbSNP rs746640467, ClinGen allele CA4824045.

ClinVar aggregate classification (germline): Likely benign. Review status: criteria provided, single submitter (1 of 4 stars). 2 submissions from 2 submitters: Likely benign (1). 1 of the submissions does not count toward it. Last evaluated 2025-05-18.

Conditions:
VPS13B-related disorder. Also called: VPS13B-related condition.
Cohen syndrome (COH1). Also called: Cutis verticis gyrata, retinitis pigmentosa, and sensorineural deafness; PEPPER SYNDROME. Identifiers: Orphanet 193, MedGen C0265223, MONDO:0008999, OMIM 216550.

Allele frequency attached by ClinVar (database versions not stated): gnomAD exomes below 0.00001; ExAC 0.00001; gnomAD 0.00001; TOPMed 0.00001.
gnomAD v4.1: 5 of 1,613,604 alleles (0.00031%); highest among the groups gnomAD compares: East Asian, 0.0067%; no homozygotes.

Submissions (2):

Labcorp Genetics (formerly Invitae), Labcorp
Classification: Likely benign for Cohen syndrome. Last evaluated: 2025-05-18. Review status: criteria provided, single submitter. Criteria: Invitae Variant Classification Sherloc (09022015). Collection method: clinical testing. Allele origin: germline.

PreventionGenetics, part of Exact Sciences
Classification: Likely benign for VPS13B-related condition. Last evaluated: 2022-11-22. Review status: no assertion criteria provided. Collection method: clinical testing. Allele origin: germline. Not counted in ClinVar's aggregate classification.
Comment: This variant is classified as likely benign based on ACMG/AMP sequence variant interpretation guidelines (Richards et al. 2015 PMID: 25741868, with internal and published modifications).